The following is an entry in ClinVar:

NM_001135649.3(FOXI3):c.625G>T (p.Asp209Tyr)

Gene: FOXI3 (forkhead box I3; minus strand). Cytogenetic location: 2p11.2.
Variant type: single nucleotide variant.
Coding change: c.625G>T on transcript NM_001135649.3 (MANE Select); coding-DNA position 625, G replaced by T.
Protein change: p.Asp209Tyr; replaces aspartic acid 209 with tyrosine.
Molecular consequence: missense variant.
Genome position (GRCh38, 1-based): chr2:88,451,911, C>A on the plus strand (G>T on the coding strand, the complement: FOXI3 is on the minus strand). VCF-style: chr2-88451911-C-A. GRCh37 (hg19) VCF-style: chr2-88751430-C-A.
Other names: short protein forms D209Y.
Identifiers: ClinVar variation 1428299 (VCV001428299.6), dbSNP rs2104263322, ClinGen allele CA347765923.

ClinVar aggregate classification (germline): Uncertain significance (1 of 4 stars; one submission).

Submission:

Labcorp Genetics (formerly Invitae), Labcorp
Classification: Uncertain significance. Last evaluated: 2021-12-01. Review status: criteria provided, single submitter. Criteria: Invitae Variant Classification Sherloc (09022015). Collection method: clinical testing. Allele origin: germline.
Comment: This variant has not been reported in the literature in individuals affected with FOXI3-related conditions. This variant is not present in population databases (gnomAD no frequency). This sequence change replaces aspartic acid, which is acidic and polar, with tyrosine, which is neutral and polar, at codon 209 of the FOXI3 protein (p.Asp209Tyr). Experimental studies and prediction algorithms are not available or were not evaluated, and the functional significance of this variant is currently unknown. In summary, the available evidence is currently insufficient to determine the role of this variant in disease. Therefore, it has been classified as a Variant of Uncertain Significance.